The following is an entry in ClinVar:

ClinVar aggregate classification (germline): Likely benign (1 of 4 stars; one submission).

Conditions:
ABCC6-related disorder. Also called: ABCC6-related condition.

gnomAD v4.1: 10 of 1,614,064 alleles (0.00062%); highest among the groups gnomAD compares: Non-Finnish European, 0.00085%; no homozygotes.

Submission:

PreventionGenetics, part of Exact Sciences
Classification: Likely benign for ABCC6-related condition. Last evaluated: 2025-06-06. Review status: criteria provided, single submitter. Criteria: ACMG Guidelines, 2015. Collection method: clinical testing. Allele origin: germline.
Comment: This variant is classified as likely benign based on ACMG/AMP sequence variant interpretation guidelines (Richards et al. 2015 PMID: 25741868, with internal and published modifications).

NM_001171.6(ABCC6):c.1275C>T (p.Leu425=)

Gene: ABCC6 (ATP binding cassette subfamily C member 6; minus strand). Cytogenetic location: 16p13.11.
Variant type: single nucleotide variant.
Coding change: c.1275C>T on transcript NM_001171.6 (MANE Select); coding-DNA position 1275, C replaced by T.
Protein change: p.Leu425=; no amino-acid change (leucine 425 retained).
Molecular consequence: synonymous variant. On other transcripts: non-coding transcript variant (4).
Genome position (GRCh38, 1-based): chr16:16,198,084, G>A on the plus strand (C>T on the coding strand, the complement: ABCC6 is on the minus strand). VCF-style: chr16-16198084-G-A. GRCh37 (hg19) VCF-style: chr16-16291941-G-A.
Other names: c.933C>T, p.Leu311= (NM_001351800.1); c.1275C>T, p.Leu425= (NM_001440309.1, NM_001440310.1).
Identifiers: ClinVar variation 4999589 (VCV004999589.1).